The following is an entry in ClinVar:

ClinVar aggregate classification (germline): Uncertain significance (1 of 4 stars; one submission).

Allele frequency attached by ClinVar (database versions not stated): gnomAD 0.00001.
gnomAD v4.1: 18 of 1,613,684 alleles (0.0011%); highest among the groups gnomAD compares: Non-Finnish European, 0.0014%; no homozygotes.

Submission:

GeneDx
Classification: Uncertain significance. Last evaluated: 2022-04-21. Review status: criteria provided, single submitter. Criteria: GeneDx Variant Classification Process June 2021. Collection method: clinical testing. Allele origin: germline. Affected: yes.
Comment: Not observed at significant frequency in large population cohorts (gnomAD); In silico analysis supports that this missense variant has a deleterious effect on protein structure/function; Has not been previously published as pathogenic or benign to our knowledge

NM_182961.4(SYNE1):c.20231C>A (p.Pro6744His)

Gene: SYNE1 (spectrin repeat containing nuclear envelope protein 1; minus strand). Cytogenetic location: 6q25.2.
Variant type: single nucleotide variant.
Coding change: c.20231C>A on transcript NM_182961.4 (MANE Select); coding-DNA position 20231, C replaced by A.
Protein change: p.Pro6744His; replaces proline 6744 with histidine.
Molecular consequence: missense variant.
Genome position (GRCh38, 1-based): chr6:152,236,272, G>T on the plus strand (C>A on the coding strand, the complement: SYNE1 is on the minus strand). VCF-style: chr6-152236272-G-T. GRCh37 (hg19) VCF-style: chr6-152557407-G-T.
Other names: c.20018C>A, p.Pro6673His (NM_033071.5); short protein forms P6673H, P6744H.
Identifiers: ClinVar variation 1712126 (VCV001712126.2), dbSNP rs1203670556, ClinGen allele CA366122601.